The following is an entry in ClinVar:

ClinVar aggregate classification (germline): Uncertain significance. Review status: criteria provided, multiple submitters, no conflicts (2 of 4 stars). 2 submissions from 2 submitters: Uncertain significance (2). Last evaluated 2019-11-26.

Conditions:
Hereditary sensory and autonomic neuropathy type 6. Also called: Neuropathy, hereditary sensory and autonomic, type VI; HSAN VI. Identifiers: Orphanet 314381, MedGen C3539003, MONDO:0013839, OMIM 614653.
Epidermolysis bullosa simplex 3, localized or generalized intermediate, with BP230 deficiency (EBS3). Also called: Epidermolysis bullosa simplex due to BP230 deficiency; Epidermolysis bullosa simplex, autosomal recessive 2. Identifiers: Orphanet 412181, MedGen C3809470, MONDO:0014180, OMIM 615425.

Allele frequency attached by ClinVar (database versions not stated): gnomAD exomes below 0.00001 and 0.00002; ExAC 0.00001; gnomAD 0.00001; TOPMed 0.00001.
gnomAD v4.1: 32 of 1,613,638 alleles (0.002%); highest among the groups gnomAD compares: Non-Finnish European, 0.0024%; no homozygotes.

Submissions (2):

Blueprint Genetics
Classification: Uncertain significance. Last evaluated: 2019-11-26. Review status: criteria provided, single submitter. Criteria: ACMG Guidelines, 2015. Collection method: clinical testing. Allele origin: germline.

Labcorp Genetics (formerly Invitae), Labcorp
Classification: Uncertain significance for Epidermolysis bullosa simplex 3, localized or generalized intermediate, with BP230 deficiency; Hereditary sensory and autonomic neuropathy type 6. Last evaluated: 2019-06-17. Review status: criteria provided, single submitter. Criteria: Invitae Variant Classification Sherloc (09022015). Collection method: clinical testing. Allele origin: germline.
Comment: Algorithms developed to predict the effect of missense changes on protein structure and function are either unavailable or do not agree on the potential impact of this missense change (SIFT: "Tolerated"; PolyPhen-2: "Not Available"; Align-GVGD: "Class C0"). In summary, the available evidence is currently insufficient to determine the role of this variant in disease. Therefore, it has been classified as a Variant of Uncertain Significance. This variant has not been reported in the literature in individuals with DST-related conditions. This variant is present in population databases (rs768224900, ExAC 0.002%). This sequence change replaces arginine with glycine at codon 2444 of the DST protein (p.Arg2444Gly). The arginine residue is weakly conserved and there is a moderate physicochemical difference between arginine and glycine. The DST gene has multiple clinically relevant transcripts. The p.Arg2444Gly variant occurs in alternate transcript NM_015548.4, which corresponds to c.*61924A>G in NM_001723.5, the primary transcript listed in the Methods.

NM_001374736.1(DST):c.15199A>G (p.Arg5067Gly)

Gene: DST (dystonin; minus strand). Cytogenetic location: 6p12.1.
Variant type: single nucleotide variant.
Coding change: c.15199A>G on transcript NM_001374736.1 (MANE Select); coding-DNA position 15199, A replaced by G.
Protein change: p.Arg5067Gly; replaces arginine 5067 with glycine.
Molecular consequence: missense variant.
Genome position (GRCh38, 1-based): chr6:56,553,593, T>C on the plus strand (A>G on the coding strand, the complement: DST is on the minus strand). VCF-style: chr6-56553593-T-C. GRCh37 (hg19) VCF-style: chr6-56418391-T-C.
Other names: c.8842A>G, p.Arg2948Gly (NM_001144769.5); c.8428A>G, p.Arg2810Gly (NM_001144770.2); c.15199A>G, p.Arg5067Gly (NM_001374722.1); c.14566A>G, p.Arg4856Gly (NM_001374729.1); c.8308A>G, p.Arg2770Gly (NM_001374730.1, NM_183380.4); c.15226A>G, p.Arg5076Gly (NM_001374734.1); c.7330A>G, p.Arg2444Gly (NM_015548.5); short protein forms R2770G, R5067G, R5076G, R2444G, R2810G, R2948G, R4856G.
Identifiers: ClinVar variation 970759 (VCV000970759.7), dbSNP rs768224900, ClinGen allele CA3867850.
Genomic context (GRCh38, chr6:56,553,593, plus strand): 5'-ATATTGGATGAGATTTGTTTTGCTCTTCTTTCTTTGTATCCAGCCAAGCCTGAAAATCTC[T>C]AGACATTTGCTGAAATTGATGAGAGCTTGCACAGGCCGACTGAAGGTGCTGGACATGATT-3'
Protein context (NP_001361665.1, residues 5057-5077): ASSHQFQQMS[Arg5067Gly]DFQAWLDTKK